The following is an entry in ClinVar:

NM_001291303.3(FAT4):c.12934G>T (p.Gly4312Trp)

Gene: FAT4 (FAT atypical cadherin 4; plus strand). Cytogenetic location: 4q28.1.
Variant type: single nucleotide variant.
Coding change: c.12934G>T on transcript NM_001291303.3 (MANE Select); coding-DNA position 12934, G replaced by T.
Protein change: p.Gly4312Trp; replaces glycine 4312 with tryptophan.
Molecular consequence: missense variant.
Genome position (GRCh38, 1-based): chr4:125,487,456, G>T. VCF-style: chr4-125487456-G-T. GRCh37 (hg19) VCF-style: chr4-126408611-G-T.
Other names: c.12934G>T, p.Gly4312Trp (NM_001291285.3); c.12928G>T, p.Gly4310Trp (NM_024582.6); short protein forms G4310W, G4312W.
Identifiers: ClinVar variation 2044905 (VCV002044905.3), dbSNP rs2531044550, ClinGen allele CA358134297.

ClinVar aggregate classification (germline): Uncertain significance (1 of 4 stars; one submission).

Submission:

Labcorp Genetics (formerly Invitae), Labcorp
Classification: Uncertain significance. Last evaluated: 2022-09-01. Review status: criteria provided, single submitter. Criteria: Invitae Variant Classification Sherloc (09022015). Collection method: clinical testing. Allele origin: germline.
Comment: In summary, the available evidence is currently insufficient to determine the role of this variant in disease. Therefore, it has been classified as a Variant of Uncertain Significance. Advanced modeling of protein sequence and biophysical properties (such as structural, functional, and spatial information, amino acid conservation, physicochemical variation, residue mobility, and thermodynamic stability) performed at Invitae indicates that this missense variant is not expected to disrupt FAT4 protein function. This variant has not been reported in the literature in individuals affected with FAT4-related conditions. This variant is not present in population databases (gnomAD no frequency). This sequence change replaces glycine, which is neutral and non-polar, with tryptophan, which is neutral and slightly polar, at codon 4310 of the FAT4 protein (p.Gly4310Trp).